The following is an entry in ClinVar:

NM_000330.4(RS1):c.535A>C (p.Asn179His)

Genes: CDKL5 (cyclin dependent kinase like 5; plus strand), RS1 (retinoschisin 1; minus strand). Cytogenetic location: Xp22.13.
Variant type: single nucleotide variant.
Coding change: c.535A>C on transcript NM_000330.4 (MANE Select); coding-DNA position 535, A replaced by C.
Protein change: p.Asn179His; replaces asparagine 179 with histidine.
Molecular consequence: missense variant. On other transcripts: intron variant (2).
Genome position (GRCh38, 1-based): chrX:18,642,144, T>G on the plus strand (A>C on the coding strand, the complement: RS1 is on the minus strand). VCF-style: chrX-18642144-T-G. GRCh37 (hg19) VCF-style: chrX-18660264-T-G.
Other names: c.2714-3863T>G (NM_003159.3, NM_001037343.2); short protein forms N179H.
Identifiers: ClinVar variation 864736 (VCV000864736.11), dbSNP rs61753170, ClinGen allele CA10360611.

ClinVar aggregate classification (germline): Pathogenic/Likely pathogenic. Review status: criteria provided, multiple submitters, no conflicts (2 of 4 stars). 2 submissions from 2 submitters: Pathogenic (1); Likely pathogenic (1). Last evaluated 2024-02-17.

Conditions:
RS1-related disorder. Also called: RS1-related condition.

Allele frequency attached by ClinVar (database versions not stated): ExAC 0.00001; gnomAD exomes 0.00001.

Submissions (2):

Labcorp Genetics (formerly Invitae), Labcorp
Classification: Pathogenic. Last evaluated: 2024-02-17. Review status: criteria provided, single submitter. Criteria: Invitae Variant Classification Sherloc (09022015). Collection method: clinical testing. Allele origin: germline.
Comment: This sequence change replaces asparagine, which is neutral and polar, with histidine, which is basic and polar, at codon 179 of the RS1 protein (p.Asn179His). This variant is present in population databases (rs61753170, gnomAD 0.008%). This missense change has been observed in individual(s) with retinoschisis (Invitae). ClinVar contains an entry for this variant (Variation ID: 864736). Advanced modeling of protein sequence and biophysical properties (such as structural, functional, and spatial information, amino acid conservation, physicochemical variation, residue mobility, and thermodynamic stability) performed at Invitae indicates that this missense variant is expected to disrupt RS1 protein function with a positive predictive value of 95%. This variant disrupts the p.Asn179 amino acid residue in RS1. Other variant(s) that disrupt this residue have been determined to be pathogenic (PMID: 12055472, 20809529). This suggests that this residue is clinically significant, and that variants that disrupt this residue are likely to be disease-causing. For these reasons, this variant has been classified as Pathogenic.

Blueprint Genetics
Classification: Likely pathogenic for RS1-related disorders. Last evaluated: 2022-06-28. Review status: criteria provided, single submitter. Criteria: ACMG Guidelines, 2015. Collection method: clinical testing. Allele origin: germline. Affected: yes. Observed: 2 variant alleles.

Literature cited by the submitters: PubMed 12055472 (cited by Labcorp Genetics (formerly Invitae), Labcorp); PubMed 20809529 (cited by Labcorp Genetics (formerly Invitae), Labcorp).